The following is an entry in ClinVar:

ClinVar aggregate classification (germline): Uncertain significance (1 of 4 stars; one submission).

Conditions:
Familial adenomatous polyposis 2. Also called: MYH-associated polyposis; FAP type 2; MUTYH-associated polyposis; MUTYH-related attenuated familial adenomatous polyposis; Adenomas, multiple colorectal; COLORECTAL ADENOMATOUS POLYPOSIS, AUTOSOMAL RECESSIVE. Identifiers: Orphanet 220460, Orphanet 247798, MedGen C3272841, MONDO:0012041, OMIM 608456.

Submission:

Labcorp Genetics (formerly Invitae), Labcorp
Classification: Uncertain significance for Familial adenomatous polyposis 2. Last evaluated: 2025-01-15. Review status: criteria provided, single submitter. Criteria: Invitae Variant Classification Sherloc (09022015). Collection method: clinical testing. Allele origin: germline.
Comment: This sequence change replaces glycine, which is neutral and non-polar, with aspartic acid, which is acidic and polar, at codon 472 of the MUTYH protein (p.Gly472Asp). This variant is not present in population databases (gnomAD no frequency). This variant has not been reported in the literature in individuals affected with MUTYH-related conditions. ClinVar contains an entry for this variant (Variation ID: 1360798). An algorithm developed to predict the effect of missense changes on protein structure and function (PolyPhen-2) suggests that this variant is likely to be tolerated. In summary, the available evidence is currently insufficient to determine the role of this variant in disease. Therefore, it has been classified as a Variant of Uncertain Significance.

NM_001048174.2(MUTYH):c.1331G>A (p.Gly444Asp)

Gene: MUTYH (mutY DNA glycosylase; minus strand). Cytogenetic location: 1p34.1.
Variant type: single nucleotide variant.
Coding change: c.1331G>A on transcript NM_001048174.2 (MANE Select); coding-DNA position 1331, G replaced by A.
Protein change: p.Gly444Asp; replaces glycine 444 with aspartic acid.
Molecular consequence: missense variant. On other transcripts: non-coding transcript variant (2).
Genome position (GRCh38, 1-based): chr1:45,331,243, C>T on the plus strand (G>A on the coding strand, the complement: MUTYH is on the minus strand). VCF-style: chr1-45331243-C-T. GRCh37 (hg19) VCF-style: chr1-45796915-C-T.
Other names: c.1331G>A, p.Gly444Asp (NM_001293195.2, NM_001048171.2, NM_001048173.2); c.1055G>A, p.Gly352Asp (NM_001293196.2, NM_001293192.2); c.986G>A, p.Gly329Asp (NM_001350650.2, NM_001350651.2); c.1406G>A, p.Gly469Asp (NM_012222.3); c.1334G>A, p.Gly445Asp (NM_001048172.2); c.1415G>A, p.Gly472Asp (NM_001128425.2); c.1376G>A, p.Gly459Asp (NM_001293190.2); c.1364G>A, p.Gly455Asp (NM_001293191.2); short protein forms G459D, G469D, G444D, G472D, G352D, G455D, G329D, G445D.
Identifiers: ClinVar variation 1360798 (VCV001360798.8), dbSNP rs1553125016, ClinGen allele CA340132625.